The following is an entry in ClinVar:

ClinVar aggregate classification (germline): Likely benign (0 of 4 stars; one submission).

Conditions:
ANK1-related disorder. Also called: ANK1-related condition.

gnomAD v4.1: 3 of 1,614,212 alleles (0.00019%); highest among the groups gnomAD compares: Non-Finnish European, 0.00025%; no homozygotes.

Submission:

PreventionGenetics, part of Exact Sciences
Classification: Likely benign for ANK1-related condition. Last evaluated: 2024-06-01. Review status: no assertion criteria provided. Collection method: clinical testing. Allele origin: germline.
Comment: This variant is classified as likely benign based on ACMG/AMP sequence variant interpretation guidelines (Richards et al. 2015 PMID: 25741868, with internal and published modifications).

NM_000037.4(ANK1):c.5394+8C>T

Gene: ANK1 (ankyrin 1; minus strand). Cytogenetic location: 8p11.21.
Variant type: single nucleotide variant.
Coding change: c.5394+8C>T on transcript NM_000037.4 (MANE Select); 8 bases into the intron after coding-DNA position 5394, C replaced by T.
Molecular consequence: intron variant.
Genome position (GRCh38, 1-based): chr8:41,668,259, G>A on the plus strand (C>T on the coding strand, the complement: ANK1 is on the minus strand). VCF-style: chr8-41668259-G-A. GRCh37 (hg19) VCF-style: chr8-41525777-G-A.
Other names: c.5517+8C>T (NM_001142446.2); c.4908+8C>T (NM_020477.3); c.5394+8C>T (NM_020475.3, NM_020476.3).
Identifiers: ClinVar variation 3347722 (VCV003347722.1).